The following is an entry in ClinVar:

ClinVar aggregate classification (germline): Uncertain significance. Review status: criteria provided, multiple submitters, no conflicts (2 of 4 stars). 2 submissions from 2 submitters: Uncertain significance (2). Last evaluated 2023-09-05.

Conditions:
Inborn genetic diseases. Identifiers: MedGen C0950123, MeSH D030342.

Allele frequency attached by ClinVar (database versions not stated): gnomAD exomes below 0.00001; ExAC 0.00001.
gnomAD v4.1: 5 of 1,612,268 alleles (0.00031%); highest among the groups gnomAD compares: Non-Finnish European, 0.00034%; no homozygotes.

Submissions (2):

Labcorp Genetics (formerly Invitae), Labcorp
Classification: Uncertain significance. Last evaluated: 2023-09-05. Review status: criteria provided, single submitter. Criteria: Invitae Variant Classification Sherloc (09022015). Collection method: clinical testing. Allele origin: germline.
Comment: This sequence change replaces arginine, which is basic and polar, with histidine, which is basic and polar, at codon 111 of the RAI1 protein (p.Arg111His). The frequency data for this variant in the population databases is considered unreliable, as metrics indicate poor data quality at this position in the gnomAD database. This variant has not been reported in the literature in individuals affected with RAI1-related conditions. ClinVar contains an entry for this variant (Variation ID: 588952). Advanced modeling of protein sequence and biophysical properties (such as structural, functional, and spatial information, amino acid conservation, physicochemical variation, residue mobility, and thermodynamic stability) performed at Invitae indicates that this missense variant is not expected to disrupt RAI1 protein function. In summary, the available evidence is currently insufficient to determine the role of this variant in disease. Therefore, it has been classified as a Variant of Uncertain Significance.

Ambry Genetics
Classification: Uncertain significance for Inborn genetic diseases. Last evaluated: 2017-04-14. Review status: criteria provided, single submitter. Criteria: Ambry Variant Classification Scheme 2023. Collection method: clinical testing. Allele origin: germline.
Comment: The p.R111H variant (also known as c.332G>A), located in coding exon 1 of the RAI1 gene, results from a G to A substitution at nucleotide position 332. The arginine at codon 111 is replaced by histidine, an amino acid with highly similar properties. This amino acid position is not well conserved in available vertebrate species. In addition, this alteration is predicted to be tolerated by in silico analysis. Since supporting evidence is limited at this time, the clinical significance of this alteration remains unclear.

NM_030665.4(RAI1):c.332G>A (p.Arg111His)

Gene: RAI1 (retinoic acid induced 1; plus strand). Cytogenetic location: 17p11.2.
Variant type: single nucleotide variant.
Coding change: c.332G>A on transcript NM_030665.4 (MANE Select); coding-DNA position 332, G replaced by A.
Protein change: p.Arg111His; replaces arginine 111 with histidine.
Molecular consequence: missense variant.
Genome position (GRCh38, 1-based): chr17:17,793,280, G>A. VCF-style: chr17-17793280-G-A. GRCh37 (hg19) VCF-style: chr17-17696594-G-A.
Other names: short protein forms R111H.
Identifiers: ClinVar variation 588952 (VCV000588952.11), dbSNP rs763052036, ClinGen allele CA8418101.